The following is an entry in ClinVar:

ClinVar aggregate classification (germline): Pathogenic (1 of 4 stars; one submission).

Submission:

Labcorp Genetics (formerly Invitae), Labcorp
Classification: Pathogenic. Last evaluated: 2023-02-16. Review status: criteria provided, single submitter. Criteria: Invitae Variant Classification Sherloc (09022015). Collection method: clinical testing. Allele origin: germline.
Comment: For these reasons, this variant has been classified as Pathogenic. This variant has not been reported in the literature in individuals affected with COL27A1-related conditions. This variant is not present in population databases (gnomAD no frequency). This sequence change creates a premature translational stop signal (p.Gln301Hisfs*26) in the COL27A1 gene. It is expected to result in an absent or disrupted protein product. Loss-of-function variants in COL27A1 are known to be pathogenic (PMID: 24986830, 28276056).

Literature cited by the submitters: PubMed 24986830; PubMed 28276056.

NM_032888.4(COL27A1):c.903_916del (p.Gln301fs)

Gene: COL27A1 (collagen type XXVII alpha 1 chain; plus strand). Cytogenetic location: 9q32.
Variant type: Deletion.
Coding change: c.903_916del on transcript NM_032888.4 (MANE Select); coding-DNA positions 903 to 916, 14 bases deleted (AAGGACTAGCCCCA).
Protein change: p.Gln301fs; shifts the reading frame from glutamine 301.
Molecular consequence: frameshift variant.
Genome position (GRCh38, 1-based): chr9:114,168,458-114,168,471, AAGGACTAGCCCCA deleted; deleting any 14 consecutive bases within chr9:114,168,451-114,168,471 gives the same sequence; the c. name uses the placement nearest the transcript's 3' end. VCF-style (leftmost placement, unchanged base first): chr9-114168450-AAGCCCCAAAGGACT-A. GRCh37 (hg19) VCF-style: chr9-116930730-AAGCCCCAAAGGACT-A.
Other names: short protein forms Q301fs.
Identifiers: ClinVar variation 2837732 (VCV002837732.3), dbSNP rs2490561736, ClinGen allele CA2691339991.
Genomic context (GRCh38, chr9:114,168,450, plus strand): 5'-CTGGGGTCACTGCCAGCAGGCAGGGGACCCAGGGGGACTGTGGCACCCGCCACGCCCACC[AAGCCCCAAAGGACT>A]AGCCCCACAAACCCTCACCAGCATATGGCGGTGGGAGGCCCAGCCCAAACCCCGCTGCTA-3'